The following is an entry in ClinVar:

NM_000474.4(TWIST1):c.185GCG[3] (p.Gly63_Asp64insGly)

Gene: TWIST1 (twist family bHLH transcription factor 1; minus strand). Cytogenetic location: 7p21.1.
Variant type: Microsatellite.
Coding change: c.185GCG[3] on transcript NM_000474.4 (MANE Select); three copies in a row of the 3-base unit GCG starting at c.185; the reference has two copies in a row; one copy, 3 bases duplicated; also written c.188_190dup.
Protein change: p.Gly63_Asp64insGly.
Molecular consequence: inframe insertion. On other transcripts: non-coding transcript variant (1).
Genome position (GRCh38, 1-based): chr7:19,117,132-19,117,134, CGC duplicated on the plus strand (GCG on the coding strand, the reverse complement: TWIST1 is on the minus strand); duplicating any 3 consecutive bases within chr7:19,117,132-19,117,138 gives the same sequence; the position shown is the placement nearest the transcript's 3' end. VCF-style (leftmost placement, unchanged base first): chr7-19117131-T-TCGC. GRCh37 (hg19) VCF-style: chr7-19156754-T-TCGC.
Other names: c.188_190dup (NM_000474.3).
Identifiers: ClinVar variation 2937073 (VCV002937073.4), dbSNP rs1018653595, ClinGen allele CA155466615.
Genomic context (GRCh38, chr7:19,117,131, plus strand): 5'-CCGCCGCCACAGCCCGCAGACTTCTTGCCGCGCTTGCCCTGGGCCGGGCTGCCCGGCTCG[T>TCGC]CGCCGCCTCCGACGCCCCCACCCGCGGCTCCGCCGGGCCCCGCGCCGCCGCCCGCGCTGC-3'

ClinVar aggregate classification (germline): Uncertain significance. Review status: criteria provided, multiple submitters, no conflicts (2 of 4 stars). 2 submissions from 2 submitters: Uncertain significance (2). Last evaluated 2025-03-18.

Conditions:
Saethre-Chotzen syndrome (SCS). Also called: ACROCEPHALY, SKULL ASYMMETRY, AND MILD SYNDACTYLY; ACS III; CHOTZEN SYNDROME. Identifiers: Orphanet 794, MedGen C0175699, MONDO:0007042, OMIM 101400.
TWIST1-related craniosynostosis (CRS1). Also called: CRANIOSYNOSTOSIS 1. Identifiers: Orphanet 63440, MedGen C4551902, MONDO:0007399, OMIM 123100. Inheritance: Heterogenous inheritance pattern.

Submissions (2):

Labcorp Genetics (formerly Invitae), Labcorp
Classification: Uncertain significance for TWIST1-related craniosynostosis; Saethre-Chotzen syndrome. Last evaluated: 2025-03-18. Review status: criteria provided, single submitter. Criteria: Invitae Variant Classification Sherloc (09022015). Collection method: clinical testing. Allele origin: germline.
Comment: This variant, c.188_190dup, results in the insertion of 1 amino acid(s) of the TWIST1 protein (p.Gly63dup), but otherwise preserves the integrity of the reading frame. This variant is not present in population databases (gnomAD no frequency). This variant has not been reported in the literature in individuals affected with TWIST1-related conditions. Experimental studies and prediction algorithms are not available or were not evaluated, and the functional significance of this variant is currently unknown. In summary, the available evidence is currently insufficient to determine the role of this variant in disease. Therefore, it has been classified as a Variant of Uncertain Significance.

GeneDx
Classification: Uncertain significance. Last evaluated: 2025-01-09. Review status: criteria provided, single submitter. Criteria: GeneDx Variant Classification Process June 2021. Collection method: clinical testing. Allele origin: germline. Affected: yes.
Comment: Not observed at significant frequency in large population cohorts (gnomAD); In-frame duplication of 1 amino acid in a non-repeat region; Has not been previously published as pathogenic or benign to our knowledge